The following is an entry in ClinVar:

ClinVar aggregate classification (germline): Pathogenic/Likely pathogenic. Review status: criteria provided, multiple submitters, no conflicts (2 of 4 stars). 6 submissions from 6 submitters: Pathogenic (4); Likely pathogenic (2). Last evaluated 2025-12-15.

Conditions:
Citrullinemia. Identifiers: Orphanet 187, MedGen C0175683, MONDO:0015991.
Citrullinemia type I (CTNL1). Also called: ASS DEFICIENCY; argininosuccinate synthetase deficiency. Identifiers: Orphanet 247525, MedGen C4721769, MONDO:0008988, OMIM 215700.

Allele frequency attached by ClinVar (database versions not stated): gnomAD 0.00001 and 0.00002; gnomAD exomes 0.00002.
gnomAD v4.1: 19 of 1,613,916 alleles (0.0012%); highest among the groups gnomAD compares: Middle Eastern, 0.033%; no homozygotes.

Submissions (6):

Natera, Inc.
Classification: Likely pathogenic for Citrullinemia type I. Last evaluated: 2025-12-15. Review status: criteria provided, single submitter. Criteria: Natera Variant Classification Schema (03/2026). Collection method: clinical testing. Allele origin: germline.
Comment: The c.370G>A variant in ASS1 is a missense variant predicted to cause substitution of aspartic acid to asparagine at amino acid 124. This variant is rare in the general population with a frequency below the threshold expected for the associated phenotype(s). This variant has been observed in one or more individuals affected with the associated recessive disease, as either homozygous or compound heterozygous with a second variant (PMID: 30285816, 27629047, 16475226). Computational prediction algorithms indicate this variant is likely to affect gene or protein function. Given the available evidence, this variant is classified as Likely Pathogenic.

Fulgent Genetics
Classification: Likely pathogenic for Citrullinemia type I. Last evaluated: 2023-12-21. Review status: criteria provided, single submitter. Criteria: ACMG Guidelines, 2015. Collection method: clinical testing. Allele origin: germline.

Labcorp Genetics (formerly Invitae), Labcorp
Classification: Pathogenic for Citrullinemia. Last evaluated: 2023-02-22. Review status: criteria provided, single submitter. Criteria: Invitae Variant Classification Sherloc (09022015). Collection method: clinical testing. Allele origin: germline.
Comment: For these reasons, this variant has been classified as Pathogenic. Experimental studies have shown that this missense change affects ASS1 function (PMID: 16475226, 27287393). Advanced modeling of protein sequence and biophysical properties (such as structural, functional, and spatial information, amino acid conservation, physicochemical variation, residue mobility, and thermodynamic stability) performed at Invitae indicates that this missense variant is expected to disrupt ASS1 protein function. ClinVar contains an entry for this variant (Variation ID: 458673). This missense change has been observed in individual(s) with citrullinemia (PMID: 16475226). In at least one individual the data is consistent with being in trans (on the opposite chromosome) from a pathogenic variant. This variant is present in population databases (no rsID available, gnomAD 0.01%). This sequence change replaces aspartic acid, which is acidic and polar, with asparagine, which is neutral and polar, at codon 124 of the ASS1 protein (p.Asp124Asn).

Women's Health and Genetics/Laboratory Corporation of America, LabCorp
Classification: Pathogenic for Citrullinemia. Last evaluated: 2022-12-27. Review status: criteria provided, single submitter. Criteria: LabCorp Variant Classification Summary - May 2015. Collection method: clinical testing. Allele origin: germline.
Comment: Variant summary: ASS1 c.370G>A (p.Asp124Asn) results in a conservative amino acid change in the encoded protein sequence. Four of five in-silico tools predict a damaging effect of the variant on protein function. The variant allele was found at a frequency of 1.6e-05 in 251442 control chromosomes (gnomAD). c.370G>A has been reported in the literature in multiple individuals affected with Citrullinemia Type I (examples: Alfadhel_2016, Bijarnia-Mahay_2018 and Diez-Fernandez_2016). These data indicate that the variant is very likely to be associated with disease. At least one publication reports experimental evidence evaluating an impact on protein function. The most pronounced variant effect results in <10% of normal activity (example: Diez-Fernandez_2016). Three clinical diagnostic laboratories have submitted clinical-significance assessments for this variant to ClinVar after 2014 and all classified the variant as pathogenic. Based on the evidence outlined above, the variant was classified as pathogenic.

Victorian Clinical Genetics Services, Murdoch Childrens Research Institute
Classification: Pathogenic for Citrullinemia type I. Last evaluated: 2022-02-02. Review status: criteria provided, single submitter. Criteria: ACMG Guidelines, 2015. Collection method: clinical testing. Allele origin: germline. Inheritance: Autosomal recessive inheritance. Affected: yes.
Comment: Based on the classification scheme VCGS_Germline_v1.3.4, this variant is classified as Pathogenic. Following criteria are met: 0102 - Loss of function is a known mechanism of disease in this gene and is associated with citrullinemia (MIM#215700). (I) 0106 - This gene is associated with autosomal recessive disease. (I) 0200 - Variant is predicted to result in a missense amino acid change from aspartic acid to asparagine. (I) 0252 - This variant is homozygous. (I) 0304 - Variant is present in gnomAD (v2) <0.01 for a recessive condition (4 heterozygotes, 0 homozygotes). (SP) 0501 - Missense variant consistently predicted to be damaging by multiple in silico tools or highly conserved with a major amino acid change. (SP) 0600 - Variant is located in the annotated arginosuccinate synthase domain substrate binding site (NCBI). (I) 0801 - This variant has strong previous evidence of pathogenicity in unrelated individuals. This variant has been reported as pathogenic (ClinVar), and observed in multiple compound heterozygous and homozygous individuals with classic citrullinemia and encephalopathy (PMID: 27287393, PMID: 16475226, PMID: 30285816, PMID: 27629047). (SP) 1002 - This variant has moderate functional evidence supporting abnormal protein function. Transfected E.coli cells have demonstrated null enzyme activity and reduced protein half-life and thermal stability (PMID: 27287393). (SP) 1101 - Very strong and specific phenotype match for this individual. (I) Legend: (SP) - Supporting pathogenic, (I) - Information, (SB) - Supporting benign

Revvity Omics, Revvity
Classification: Pathogenic for Citrullinemia type I. Last evaluated: 2020-12-29. Review status: criteria provided, single submitter. Criteria: ACMG Guidelines, 2015. Collection method: clinical testing. Allele origin: germline.

Literature cited by the submitters: PubMed 30285816 (cited by 3 submitters); PubMed 27629047 (cited by 3 submitters); PubMed 16475226 (cited by 3 submitters); PubMed 27287393 (cited by 3 submitters).

NM_054012.4(ASS1):c.370G>A (p.Asp124Asn)

Gene: ASS1 (argininosuccinate synthase 1; plus strand). Cytogenetic location: 9q34.11.
Variant type: single nucleotide variant.
Coding change: c.370G>A on transcript NM_054012.4 (MANE Select); coding-DNA position 370, G replaced by A.
Protein change: p.Asp124Asn; replaces aspartic acid 124 with asparagine.
Molecular consequence: missense variant.
Genome position (GRCh38, 1-based): chr9:130,464,117, G>A. VCF-style: chr9-130464117-G-A. GRCh37 (hg19) VCF-style: chr9-133339504-G-A.
Other names: c.370G>A, p.Asp124Asn (NM_000050.4); c.370G>A (NM_054012.3); short protein forms D124N.
Identifiers: ClinVar variation 458673 (VCV000458673.21), dbSNP rs936192871, ClinGen allele CA200612215.